The following is an entry in ClinVar:

NM_201596.3(CACNB2):c.1873C>T (p.Arg625Cys)

Gene: CACNB2 (calcium voltage-gated channel auxiliary subunit beta 2; plus strand). Cytogenetic location: 10p12.31.
Variant type: single nucleotide variant.
Coding change: c.1873C>T on transcript NM_201596.3 (MANE Select); coding-DNA position 1873, C replaced by T.
Protein change: p.Arg625Cys; replaces arginine 625 with cysteine.
Molecular consequence: missense variant.
Genome position (GRCh38, 1-based): chr10:18,539,614, C>T. VCF-style: chr10-18539614-C-T. GRCh37 (hg19) VCF-style: chr10-18828543-C-T.
Other names: c.1708C>T, p.Arg570Cys (NM_000724.4); c.1675C>T, p.Arg559Cys (NM_001167945.2); c.1594C>T, p.Arg532Cys (NM_001330060.2); c.1729C>T, p.Arg577Cys (NM_201570.3); c.1789C>T, p.Arg597Cys (NM_201571.4); c.1717C>T, p.Arg573Cys (NM_201572.4); c.1711C>T, p.Arg571Cys (NM_201590.3); c.1759C>T, p.Arg587Cys (NM_201593.3); and 2 more; short protein forms R571C, R625C, R559C, R570C, R587C, R532C, R597C, R601C.
Identifiers: ClinVar variation 402475 (VCV000402475.11), dbSNP rs1060499847, ClinGen allele CA16609749.

ClinVar aggregate classification (germline): Uncertain significance. Review status: criteria provided, multiple submitters, no conflicts (2 of 4 stars). 4 submissions from 4 submitters: Uncertain significance (4). Last evaluated 2026-05-27.

Conditions:
CACNB2-related disorder. Also called: CACNB2-related condition.
Cardiovascular phenotype. Identifiers: MedGen CN230736.
Brugada syndrome 4 (BRGDA4). Identifiers: Orphanet 130, MedGen C2678477, MONDO:0012743, OMIM 611876.

Allele frequency attached by ClinVar (database versions not stated): gnomAD 0.00001; gnomAD exomes 0.00002.
gnomAD v4.1: 24 of 1,613,444 alleles (0.0015%); highest among the groups gnomAD compares: Middle Eastern, 0.016%; no homozygotes.

Submissions (4):

PreventionGenetics, part of Exact Sciences
Classification: Uncertain significance for CACNB2-related condition. Last evaluated: 2026-05-27. Review status: criteria provided, single submitter. Criteria: ACMG Guidelines, 2015. Collection method: clinical testing. Allele origin: germline.
Comment: The CACNB2 c.1711C>T variant is predicted to result in the amino acid substitution p.Arg571Cys. This variant has been reported in at least one individual with early repolarization syndrome (Burashnikov et al. 2010. PubMed ID: 20817017; Chen et al. 2021. PubMed ID: 34222376). This variant is reported in 0.0054% of alleles in individuals of East Asian descent in gnomAD. At this time, the clinical significance of this variant is uncertain due to the absence of conclusive functional and genetic evidence.

Labcorp Genetics (formerly Invitae), Labcorp
Classification: Uncertain significance for Brugada syndrome 4. Last evaluated: 2025-10-31. Review status: criteria provided, single submitter. Criteria: Invitae Variant Classification Sherloc (09022015). Collection method: clinical testing. Allele origin: germline.
Comment: This sequence change replaces arginine, which is basic and polar, with cysteine, which is neutral and slightly polar, at codon 571 of the CACNB2 protein (p.Arg571Cys). This variant is present in population databases (no rsID available, gnomAD 0.006%). This missense change has been observed in individual(s) with clinical features of CACNB2-related conditions (PMID: 20817017, 34222376). ClinVar contains an entry for this variant (Variation ID: 402475). An algorithm developed to predict the effect of missense changes on protein structure and function (PolyPhen-2) suggests that this variant is likely to be disruptive. In summary, the available evidence is currently insufficient to determine the role of this variant in disease. Therefore, it has been classified as a Variant of Uncertain Significance.

Ambry Genetics
Classification: Uncertain significance for Cardiovascular phenotype. Last evaluated: 2025-10-23. Review status: criteria provided, single submitter. Criteria: Ambry Variant Classification Scheme 2023. Collection method: clinical testing. Allele origin: germline.
Comment: The p.R571C variant (also known as c.1711C>T), located in coding exon 13 of the CACNB2 gene, results from a C to T substitution at nucleotide position 1711. The arginine at codon 571 is replaced by cysteine, an amino acid with highly dissimilar properties. This amino acid position is well conserved in available vertebrate species. In addition, this alteration is predicted to be deleterious by in silico analysis. The evidence for this gene-disease relationship is limited; therefore, the clinical significance of this alteration is unclear.

Laboratory for Molecular Medicine, Mass General Brigham Personalized Medicine
Classification: Uncertain significance. Last evaluated: 2016-08-12. Review status: criteria provided, single submitter. Criteria: LMM Criteria. Collection method: clinical testing. Allele origin: germline.
Comment: Variant identified in a genome or exome case(s) and assessed due to predicted null impact of the variant or pathogenic assertions in the literature or databases. Disclaimer: This variant has not undergone full assessment.

Literature cited by the submitters: PubMed 20817017 (cited by Labcorp Genetics (formerly Invitae), Labcorp); PubMed 34222376 (cited by Labcorp Genetics (formerly Invitae), Labcorp).